The following is an entry in ClinVar:

NM_000388.4(CASR):c.2032C>T (p.Arg678Cys)

Gene: CASR (calcium sensing receptor; plus strand). Cytogenetic location: 3q21.1.
Variant type: single nucleotide variant.
Coding change: c.2032C>T on transcript NM_000388.4 (MANE Select); coding-DNA position 2032, C replaced by T.
Protein change: p.Arg678Cys; replaces arginine 678 with cysteine.
Molecular consequence: missense variant.
Genome position (GRCh38, 1-based): chr3:122,283,986, C>T. VCF-style: chr3-122283986-C-T. GRCh37 (hg19) VCF-style: chr3-122002833-C-T.
Other names: c.2062C>T, p.Arg688Cys (NM_001178065.2); short protein forms R678C, R688C.
Identifiers: ClinVar variation 642564 (VCV000642564.9), dbSNP rs1196241183, ClinGen allele CA354158348.

ClinVar aggregate classification (germline): Uncertain significance. Review status: criteria provided, multiple submitters, no conflicts (2 of 4 stars). 2 submissions from 2 submitters: Uncertain significance (2). Last evaluated 2023-11-27.

Conditions:
Autosomal dominant hypocalcemia 1 (HYPOC1). Also called: HYPOCALCEMIA, FAMILIAL. Identifiers: MedGen C3715128, MONDO:0011013, OMIM 601198.
Familial hypocalciuric hypercalcemia (FHH). Also called: Familial benign hypercalcemia. Identifiers: Orphanet 405, MedGen C1809471, MONDO:0018458.
Nephrolithiasis/nephrocalcinosis. Identifiers: MedGen CN580796.

Allele frequency attached by ClinVar (database versions not stated): gnomAD 0.00001; gnomAD exomes 0.00001; TOPMed 0.00001.
gnomAD v4.1: 12 of 1,613,582 alleles (0.00074%); highest among the groups gnomAD compares: African/African-American, 0.0027%; no homozygotes.

Submissions (2):

Labcorp Genetics (formerly Invitae), Labcorp
Classification: Uncertain significance for Familial hypocalciuric hypercalcemia; Autosomal dominant hypocalcemia 1. Last evaluated: 2023-11-27. Review status: criteria provided, single submitter. Criteria: Invitae Variant Classification Sherloc (09022015). Collection method: clinical testing. Allele origin: germline.
Comment: This sequence change replaces arginine, which is basic and polar, with cysteine, which is neutral and slightly polar, at codon 678 of the CASR protein (p.Arg678Cys). This variant is present in population databases (no rsID available, gnomAD 0.0008%). This variant has not been reported in the literature in individuals affected with CASR-related conditions. ClinVar contains an entry for this variant (Variation ID: 642564). Algorithms developed to predict the effect of missense changes on protein structure and function output the following: SIFT: "Not Available"; PolyPhen-2: "Benign"; Align-GVGD: "Not Available". The cysteine amino acid residue is found in multiple mammalian species, which suggests that this missense change does not adversely affect protein function. In summary, the available evidence is currently insufficient to determine the role of this variant in disease. Therefore, it has been classified as a Variant of Uncertain Significance.

Ambry Genetics
Classification: Uncertain significance for Nephrolithiasis/nephrocalcinosis. Last evaluated: 2021-10-09. Review status: criteria provided, single submitter. Criteria: Ambry Variant Classification Scheme 2023. Collection method: clinical testing. Allele origin: germline.
Comment: The p.R678C variant (also known as c.2032C>T), located in coding exon 6 of the CASR gene, results from a C to T substitution at nucleotide position 2032. The arginine at codon 678 is replaced by cysteine, an amino acid with highly dissimilar properties. This amino acid position is conserved. In addition, the in silico prediction for this alteration is inconclusive. Since supporting evidence is limited at this time, the clinical significance of this alteration remains unclear.